The following is an entry in ClinVar:

NM_152703.5(SAMD9L):c.1558G>A (p.Glu520Lys)

Gene: SAMD9L (sterile alpha motif domain containing 9 like; minus strand). Cytogenetic location: 7q21.2.
Variant type: single nucleotide variant.
Coding change: c.1558G>A on transcript NM_152703.5 (MANE Select); coding-DNA position 1558, G replaced by A.
Protein change: p.Glu520Lys; replaces glutamic acid 520 with lysine.
Molecular consequence: missense variant.
Genome position (GRCh38, 1-based): chr7:93,134,414, C>T on the plus strand (G>A on the coding strand, the complement: SAMD9L is on the minus strand). VCF-style: chr7-93134414-C-T. GRCh37 (hg19) VCF-style: chr7-92763727-C-T.
Other names: c.1558G>A, p.Glu520Lys (NM_001303496.3, NM_001303497.3, NM_001303498.3 and 5 more transcripts); short protein forms E520K.
Identifiers: ClinVar variation 4863939 (VCV004863939.1).

ClinVar aggregate classification (germline): Uncertain significance (1 of 4 stars; one submission).

Conditions:
Inborn genetic diseases. Identifiers: MedGen C0950123, MeSH D030342.

Submission:

Ambry Genetics
Classification: Uncertain significance for Inborn genetic diseases. Last evaluated: 2026-04-13. Review status: criteria provided, single submitter. Criteria: Ambry Variant Classification Scheme 2023. Collection method: clinical testing. Allele origin: germline.
Comment: The p.E520K variant (also known as c.1558G>A), located in coding exon 1 of the SAMD9L gene, results from a G to A substitution at nucleotide position 1558. The glutamic acid at codon 520 is replaced by lysine, an amino acid with similar properties. This amino acid position is conserved. In addition, this alteration is predicted to be tolerated by in silico analysis. Based on the available evidence, the clinical significance of this variant remains unclear.